The following is an entry in ClinVar:

ClinVar aggregate classification (germline): Uncertain significance (0 of 4 stars; one submission).

Conditions:
Angelman syndrome (AS). Also called: HAPPY PUPPET SYNDROME. Identifiers: Orphanet 72, MedGen C0162635, MONDO:0007113, OMIM 105830. Disease mechanism: loss of function. Inheritance: AS is caused by disruption of maternally imprinted UBE3A located within the 15q11.2-q13 Angelman syndrome/Prader-Willi syndrome (AS/PWS) region., imprinting disorder.

Submission:

Baylor Genetics
Classification: Uncertain significance for Angelman syndrome. Last evaluated: 2014-02-14. Review status: no assertion criteria provided. Collection method: clinical testing. Allele origin: germline. Affected: yes. Observed: 1 variant allele. Study: UBE3A Mutation Study.
Comment: possible diagnosis of Angelman syndrome

Data collected from clinical UBE3A sequence analysis results

Literature cited by the submitters: PubMed 25212744.

NM_130839.5(UBE3A):c.2078T>G (p.Leu693Arg)

Genes: SNHG14 (small nucleolar RNA host gene 14; plus strand), UBE3A (ubiquitin protein ligase E3A; minus strand). Cytogenetic location: 15q11.2.
Variant type: single nucleotide variant.
Coding change: c.2078T>G on transcript NM_130839.5 (MANE Select); coding-DNA position 2078, T replaced by G.
Protein change: p.Leu693Arg; replaces leucine 693 with arginine.
Molecular consequence: missense variant. On other transcripts: non-coding transcript variant (1), intron variant (1).
Genome position (GRCh38, 1-based): chr15:25,355,938, A>C on the plus strand (T>G on the coding strand, the complement: UBE3A is on the minus strand). VCF-style: chr15-25355938-A-C. GRCh37 (hg19) VCF-style: chr15-25601085-A-C.
Other names: c.2087T>G, p.Leu696Arg (NM_000462.5); c.2078T>G, p.Leu693Arg (NM_001354505.1, NM_001354538.2, NM_001354545.2); c.2018T>G, p.Leu673Arg (NM_001354506.2, NM_001354507.2, NM_001354508.2 and 16 more transcripts); c.1901T>G, p.Leu634Arg (NM_001354546.2); c.827T>G, p.Leu276Arg (NM_001354550.2); c.767T>G, p.Leu256Arg (NM_001354551.2); c.1899+753T>G (NM_001354549.2); short protein forms L673R, L276R, L693R, L696R, L256R, L634R.
Identifiers: ClinVar variation 156138 (VCV000156138.1), dbSNP rs587782920, ClinGen allele CA333439.